The following is an entry in ClinVar:

NM_007194.4(CHEK2):c.592+1G>C

Gene: CHEK2 (checkpoint kinase 2; minus strand). Cytogenetic location: 22q12.1.
Variant type: single nucleotide variant.
Coding change: c.592+1G>C on transcript NM_007194.4 (MANE Select); the canonical splice donor site of the intron after coding-DNA position 592, G replaced by C.
Molecular consequence: splice donor variant. On other transcripts: intron variant (1).
Genome position (GRCh38, 1-based): chr22:28,724,976, C>G on the plus strand (G>C on the coding strand, the complement: CHEK2 is on the minus strand). VCF-style: chr22-28724976-C-G. GRCh37 (hg19) VCF-style: chr22-29120964-C-G.
Other names: c.-72+1G>C (NM_001437942.1); c.445-53G>C (NM_001349956.3); c.592+1G>C (NM_145862.3); c.-186+1G>C (NM_001257387.3); c.685+1G>C (NM_001438295.1, NM_001438293.1); c.721+1G>C (NM_001438294.1, NM_001005735.3).
Identifiers: ClinVar variation 826058 (VCV000826058.4), dbSNP rs1601822722, ClinGen allele CA411106886.

ClinVar aggregate classification (germline): Likely pathogenic (1 of 4 stars; one submission).

Conditions:
Hereditary cancer-predisposing syndrome. Also called: Neoplastic Syndromes, Hereditary; Tumor predisposition; Hereditary neoplastic syndrome; Hereditary Cancer Syndrome. Identifiers: Orphanet 140162, MedGen C0027672, MeSH D009386, MONDO:0015356.

Submission:

Ambry Genetics
Classification: Likely pathogenic for Hereditary cancer-predisposing syndrome. Last evaluated: 2019-03-04. Review status: criteria provided, single submitter. Criteria: Ambry Variant Classification Scheme 2023. Collection method: clinical testing. Allele origin: germline.
Comment: The c.592+1G>C intronic variant results from a G to C substitution one nucleotide after coding exon 3 of the CHEK2 gene. This nucleotide position is highly conserved in available vertebrate species. Using the BDGP and ESEfinder splice site prediction tools, this alteration is predicted to abolish the native splice donor site; however, direct evidence is unavailable. Alterations that disrupt the canonical splice site are expected to cause aberrant splicing, resulting in an abnormal protein or a transcript that is subject to nonsense-mediated mRNA decay. As such, this alteration is classified as likely pathogenic.